The following is an entry in ClinVar:

ClinVar aggregate classification (germline): Uncertain significance. Review status: criteria provided, multiple submitters, no conflicts (2 of 4 stars). 4 submissions from 4 submitters: Uncertain significance (4). Last evaluated 2025-08-17.

Conditions:
Cardiomyopathy (CMYO). Also called: Cardiomyopathies. Identifiers: Orphanet 167848, MedGen C0878544, MONDO:0004994, HP:0001638. Inheritance: Various modes of inheritance.
Catecholaminergic polymorphic ventricular tachycardia 1. Also called: VENTRICULAR TACHYCARDIA, CATECHOLAMINERGIC POLYMORPHIC, 1, WITH OR WITHOUT ATRIAL DYSFUNCTION AND/OR DILATED CARDIOMYOPATHY; VENTRICULAR TACHYCARDIA, STRESS-INDUCED POLYMORPHIC 1; RYR2-Related Catecholaminergic Polymorphic Ventricular Tachycardia. Identifiers: Orphanet 3286, MedGen C1631597, MONDO:0011484, OMIM 604772.
Catecholaminergic polymorphic ventricular tachycardia (CVPT). Also called: Catecholamine-induced polymorphic ventricular tachycardia. Identifiers: Orphanet 3286, MedGen C5574922, MONDO:0017990.

Allele frequency attached by ClinVar (database versions not stated): gnomAD exomes below 0.00001; TOPMed 0.00001.
gnomAD v4.1: 2 of 1,613,772 alleles (0.00012%); highest among the groups gnomAD compares: African/African-American, 0.0013%; no homozygotes.

Submissions (4):

Labcorp Genetics (formerly Invitae), Labcorp
Classification: Uncertain significance for Catecholaminergic polymorphic ventricular tachycardia 1. Last evaluated: 2025-08-17. Review status: criteria provided, single submitter. Criteria: Invitae Variant Classification Sherloc (09022015). Collection method: clinical testing. Allele origin: germline.
Comment: This sequence change replaces proline, which is neutral and non-polar, with leucine, which is neutral and non-polar, at codon 4226 of the RYR2 protein (p.Pro4226Leu). This variant is not present in population databases (gnomAD no frequency). This variant has not been reported in the literature in individuals affected with RYR2-related conditions. ClinVar contains an entry for this variant (Variation ID: 3070897). Invitae Evidence Modeling of protein sequence and biophysical properties (such as structural, functional, and spatial information, amino acid conservation, physicochemical variation, residue mobility, and thermodynamic stability) indicates that this missense variant is not expected to disrupt RYR2 protein function with a negative predictive value of 95%. In summary, the available evidence is currently insufficient to determine the role of this variant in disease. Therefore, it has been classified as a Variant of Uncertain Significance.

CeGaT Center for Human Genetics Tuebingen
Classification: Uncertain significance. Last evaluated: 2025-07-01. Review status: criteria provided, single submitter. Criteria: CeGaT Center For Human Genetics Tuebingen Variant Classification Criteria Version 2. Collection method: clinical testing. Allele origin: germline. Affected: yes. Observed: 1 variant allele.
Comment: RYR2: PM2

Color Diagnostics, LLC DBA Color Health
Classification: Uncertain significance for Cardiomyopathy. Last evaluated: 2024-05-22. Review status: criteria provided, single submitter. Criteria: ACMG Guidelines, 2015. Collection method: clinical testing. Allele origin: germline.
Comment: This missense variant replaces proline with leucine at codon 4226 of the RYR2 protein. Computational prediction suggests that this variant may not impact protein structure and function (internally defined REVEL score threshold <= 0.5, PMID: 27666373). To our knowledge, functional studies have not been reported for this variant. This variant has not been reported in individuals affected with RYR2-related disorders in the literature. This variant has not been identified in the general population by the Genome Aggregation Database (gnomAD). The available evidence is insufficient to determine the role of this variant in disease conclusively. Therefore, this variant is classified as a Variant of Uncertain Significance.

All of Us Research Program, National Institutes of Health
Classification: Uncertain significance for Catecholaminergic polymorphic ventricular tachycardia. Last evaluated: 2023-05-04. Review status: criteria provided, single submitter. Criteria: ACMG Guidelines, 2015. Collection method: clinical testing. Allele origin: germline. Inheritance: Autosomal dominant inheritance. Observed: 1 variant allele, 1 heterozygote.
Comment: This missense variant replaces proline with leucine at codon 4226 of the RYR2 protein. Computational prediction suggests that this variant may not impact protein structure and function (internally defined REVEL score threshold <= 0.5, PMID: 27666373). To our knowledge, functional studies have not been reported for this variant. This variant has not been reported in individuals affected with RYR2-related disorders in the literature. This variant has not been identified in the general population by the Genome Aggregation Database (gnomAD). The available evidence is insufficient to determine the role of this variant in disease conclusively. Therefore, this variant is classified as a Variant of Uncertain Significance.

This study involves interpretation of variants in research participants for the purpose of population health screening. Participant phenotype was not available at the time of variant classification. Additional details can be found in publication PMID: 35346344, PMCID: PMC8962531

NM_001035.3(RYR2):c.12677C>T (p.Pro4226Leu)

Genes: RYR2 (ryanodine receptor 2; plus strand), LOC126806068 (BRD4-independent group 4 enhancer GRCh37_chr1:237947411-237948610; plus strand). Cytogenetic location: 1q43.
Variant type: single nucleotide variant.
Coding change: c.12677C>T on transcript NM_001035.3 (MANE Select); coding-DNA position 12677, C replaced by T.
Protein change: p.Pro4226Leu; replaces proline 4226 with leucine.
Molecular consequence: missense variant.
Genome position (GRCh38, 1-based): chr1:237,784,389, C>T. VCF-style: chr1-237784389-C-T. GRCh37 (hg19) VCF-style: chr1-237947689-C-T.
Other names: short protein forms P4226L.
Identifiers: ClinVar variation 3070897 (VCV003070897.11), dbSNP rs1324957330, ClinGen allele CA345413897.